The following is an entry in ClinVar:

NM_016628.5(WAC):c.1289-5T>G

Gene: WAC (WW domain containing adaptor with coiled-coil; plus strand). Cytogenetic location: 10p12.1.
Variant type: single nucleotide variant.
Coding change: c.1289-5T>G on transcript NM_016628.5 (MANE Select); 5 bases into the intron before coding-DNA position 1289, T replaced by G.
Molecular consequence: intron variant.
Genome position (GRCh38, 1-based): chr10:28,611,769, T>G. VCF-style: chr10-28611769-T-G. GRCh37 (hg19) VCF-style: chr10-28900698-T-G.
Other names: c.1154-5T>G (NM_100264.3); c.980-5T>G (NM_100486.4).
Identifiers: ClinVar variation 4887681 (VCV004887681.1).

ClinVar aggregate classification (germline): Uncertain significance (1 of 4 stars; one submission).

gnomAD v4.1: 1 of 1,606,770 alleles (0.000062%); highest among the groups gnomAD compares: Non-Finnish European, 0.000085%; no homozygotes.

Submission:

Women's Health and Genetics/Laboratory Corporation of America, LabCorp
Classification: Uncertain significance. Last evaluated: 2026-06-25. Review status: criteria provided, single submitter. Criteria: LabCorp Variant Classification Summary - May 2015. Collection method: clinical testing. Allele origin: germline.
Comment: Variant summary: WAC c.1289-5T>G alters a nucleotide located at a position not widely known to affect splicing. Several computational tools predict a significant impact on normal splicing: Three predict the variant weakens a 3' acceptor site. However, these predictions have yet to be confirmed by functional studies. The variant was absent in 241324 control chromosomes. The available data on variant occurrences in the general population are insufficient to allow any conclusion about variant significance. To our knowledge, no occurrence of c.1289-5T>G in individuals affected with WAC-related conditions and no experimental evidence demonstrating its impact on protein function have been reported. No submitters have cited clinical-significance assessments for this variant to ClinVar. Based on the evidence outlined above, the variant was classified as uncertain significance.